The following is an entry in ClinVar:

NM_024334.3(TMEM43):c.162+1G>A

Gene: TMEM43 (transmembrane protein 43; plus strand). Cytogenetic location: 3p25.1.
Variant type: single nucleotide variant.
Coding change: c.162+1G>A on transcript NM_024334.3 (MANE Select); the canonical splice donor site of the intron after coding-DNA position 162, G replaced by A.
Molecular consequence: splice donor variant. On other transcripts: intron variant (1).
Genome position (GRCh38, 1-based): chr3:14,129,562, G>A. VCF-style: chr3-14129562-G-A. GRCh37 (hg19) VCF-style: chr3-14171062-G-A.
Other names: c.162+1G>A (NM_001407274.1, NM_001407276.1, NM_001407275.1 and 3 more transcripts); c.13-1260G>A (NM_001407280.1).
Identifiers: ClinVar variation 925014 (VCV000925014.10), dbSNP rs1695065907, ClinGen allele CA351534473.

ClinVar aggregate classification (germline): Uncertain significance. Review status: criteria provided, multiple submitters, no conflicts (2 of 4 stars). 2 submissions from 2 submitters: Uncertain significance (2). Last evaluated 2022-04-12.

Conditions:
Cardiomyopathy (CMYO). Also called: Cardiomyopathies. Identifiers: Orphanet 167848, MedGen C0878544, MONDO:0004994, HP:0001638. Inheritance: Various modes of inheritance.
Arrhythmogenic right ventricular dysplasia 5. Also called: Arrhythmogenic Right Ventricular Dysplasia/Cardiomyopathy 5; ARRHYTHMOGENIC RIGHT VENTRICULAR DYSPLASIA, FAMILIAL, 5. Identifiers: MedGen C1858379, MONDO:0011459, OMIM 604400.

Submissions (2):

Labcorp Genetics (formerly Invitae), Labcorp
Classification: Uncertain significance for Arrhythmogenic right ventricular dysplasia 5. Last evaluated: 2022-04-12. Review status: criteria provided, single submitter. Criteria: Invitae Variant Classification Sherloc (09022015). Collection method: clinical testing. Allele origin: germline.
Comment: In summary, the available evidence is currently insufficient to determine the role of this variant in disease. Therefore, it has been classified as a Variant of Uncertain Significance. Algorithms developed to predict the effect of sequence changes on RNA splicing suggest that this variant may disrupt the consensus splice site. ClinVar contains an entry for this variant (Variation ID: 925014). This variant has not been reported in the literature in individuals affected with TMEM43-related conditions. This variant is not present in population databases (gnomAD no frequency). This sequence change affects a donor splice site in intron 2 of the TMEM43 gene. It is expected to disrupt RNA splicing. Variants that disrupt the donor or acceptor splice site typically lead to a loss of protein function (PMID: 16199547), however the current clinical and genetic evidence is not sufficient to establish whether loss-of-function variants in TMEM43 cause disease.

Color Diagnostics, LLC DBA Color Health
Classification: Uncertain significance for Cardiomyopathy. Last evaluated: 2018-11-20. Review status: criteria provided, single submitter. Criteria: ACMG Guidelines, 2015. Collection method: clinical testing. Allele origin: germline.
Comment: Variant of Uncertain Significance due to insufficient evidence: This variant alters the canonical splice donor site in intron 2 of the TMEM43 gene. Computational splicing tools predict that this variant may have a significant impact on RNA splicing. To our knowledge, RNA assays have not been performed for this variant and this variant's impact on the TMEM gene function remains unknown. This variant has not been reported in individuals affected with cardiovascular disorders in the literature. This variant is rare in the general population and has been identified in 0/277264 chromosomes by the Genome Aggregation Database (gnomAD). Available evidence is insufficient to determine the pathogenicity of this variant conclusively.

Literature cited by the submitters: PubMed 16199547 (cited by Labcorp Genetics (formerly Invitae), Labcorp).